The following is an entry in ClinVar:

NM_145038.5(DRC1):c.1304C>T (p.Pro435Leu)

Gene: DRC1 (dynein regulatory complex subunit 1; plus strand). Cytogenetic location: 2p23.3.
Variant type: single nucleotide variant.
Coding change: c.1304C>T on transcript NM_145038.5 (MANE Select); coding-DNA position 1304, C replaced by T.
Protein change: p.Pro435Leu; replaces proline 435 with leucine.
Molecular consequence: missense variant.
Genome position (GRCh38, 1-based): chr2:26,444,856, C>T. VCF-style: chr2-26444856-C-T. GRCh37 (hg19) VCF-style: chr2-26667724-C-T.
Other names: c.1304C>T (NM_145038.2); short protein forms P435L.
Identifiers: ClinVar variation 454978 (VCV000454978.12), dbSNP rs747835380, ClinGen allele CA1562194.

ClinVar aggregate classification (germline): Uncertain significance. Review status: criteria provided, multiple submitters, no conflicts (2 of 4 stars). 4 submissions from 4 submitters: Uncertain significance (4). Last evaluated 2026-01-06.

Conditions:
Inborn genetic diseases. Identifiers: MedGen C0950123, MeSH D030342.
Primary ciliary dyskinesia. Also called: Ciliary dyskinesia. Identifiers: Orphanet 244, MedGen C0008780, MONDO:0016575, HP:0012265.

Allele frequency attached by ClinVar (database versions not stated): gnomAD 0.00001; TOPMed 0.00003; gnomAD exomes 0.00005 and 0.00008; ExAC 0.00007.
gnomAD v4.1: 79 of 1,614,218 alleles (0.0049%); highest among the groups gnomAD compares: Middle Eastern, 0.21%; 1 homozygote.

Submissions (4):

Labcorp Genetics (formerly Invitae), Labcorp
Classification: Uncertain significance for Primary ciliary dyskinesia. Last evaluated: 2026-01-06. Review status: criteria provided, single submitter. Criteria: Invitae Variant Classification Sherloc (09022015). Collection method: clinical testing. Allele origin: germline.
Comment: This sequence change replaces proline, which is neutral and non-polar, with leucine, which is neutral and non-polar, at codon 435 of the DRC1 protein (p.Pro435Leu). This variant is present in population databases (rs747835380, gnomAD 0.03%), including at least one homozygous and/or hemizygous individual. This variant has not been reported in the literature in individuals affected with DRC1-related conditions. ClinVar contains an entry for this variant (Variation ID: 454978). An algorithm developed to predict the effect of missense changes on protein structure and function (PolyPhen-2) suggests that this variant is likely to be disruptive. In summary, the available evidence is currently insufficient to determine the role of this variant in disease. Therefore, it has been classified as a Variant of Uncertain Significance.

Blueprint Genetics
Classification: Uncertain significance. Last evaluated: 2024-08-23. Review status: criteria provided, single submitter. Criteria: ACMG Guidelines, 2015. Collection method: clinical testing. Allele origin: germline.

Ambry Genetics
Classification: Uncertain significance for Inborn genetic diseases. Last evaluated: 2023-05-04. Review status: criteria provided, single submitter. Criteria: Ambry Variant Classification Scheme 2023. Collection method: clinical testing. Allele origin: germline.

Breakthrough Genomics
Classification: Uncertain significance. Review status: criteria provided, single submitter. Criteria: ACMG Guidelines, 2015. Collection method: not provided. Allele origin: germline. Inheritance: Autosomal recessive inheritance. Affected: yes.